The following is an entry in ClinVar:

ClinVar aggregate classification (germline): Pathogenic/Likely pathogenic. Review status: criteria provided, multiple submitters, no conflicts (2 of 4 stars). 2 submissions from 2 submitters: Pathogenic (1); Likely pathogenic (1). Last evaluated 2024-04-12.

Conditions:
Pontocerebellar hypoplasia type 6 (PCH6). Identifiers: Orphanet 166073, MedGen C1969084, MONDO:0012683, OMIM 611523.

gnomAD v4.1: 1 of 1,613,728 alleles (0.000062%); no homozygotes.

Submissions (2):

Natera, Inc.
Classification: Likely pathogenic for Pontocerebellar hypoplasia, type 6. Last evaluated: 2024-04-12. Review status: criteria provided, single submitter. Criteria: Natera Variant Classification Schema (03/2026). Collection method: clinical testing. Allele origin: germline.
Comment: The c.1141C>T variant in RARS2 is a nonsense variant predicted to introduce a stop codon at amino acid 381. This variant is expected to result in nonsense mediated decay, truncation, or a dysfunctional protein product. This variant is rare in the general population with a frequency below the threshold expected for the associated phenotype(s). Given the available evidence, this variant is classified as Likely Pathogenic.

Labcorp Genetics (formerly Invitae), Labcorp
Classification: Pathogenic. Last evaluated: 2022-12-08. Review status: criteria provided, single submitter. Criteria: Invitae Variant Classification Sherloc (09022015). Collection method: clinical testing. Allele origin: germline.
Comment: For these reasons, this variant has been classified as Pathogenic. Algorithms developed to predict the effect of sequence changes on RNA splicing suggest that this variant may disrupt the consensus splice site. This variant has not been reported in the literature in individuals affected with RARS2-related conditions. This variant is not present in population databases (gnomAD no frequency). This sequence change creates a premature translational stop signal (p.Gln381*) in the RARS2 gene. It is expected to result in an absent or disrupted protein product. Loss-of-function variants in RARS2 are known to be pathogenic (PMID: 17847012, 22569581, 26083569).

Literature cited by the submitters: PubMed 17847012 (cited by Labcorp Genetics (formerly Invitae), Labcorp); PubMed 22569581 (cited by Labcorp Genetics (formerly Invitae), Labcorp); PubMed 26083569 (cited by Labcorp Genetics (formerly Invitae), Labcorp).

NM_020320.5(RARS2):c.1141C>T (p.Gln381Ter)

Gene: RARS2 (arginyl-tRNA synthetase 2, mitochondrial; minus strand). Cytogenetic location: 6q15.
Variant type: single nucleotide variant.
Coding change: c.1141C>T on transcript NM_020320.5 (MANE Select); coding-DNA position 1141, C replaced by T.
Protein change: p.Gln381Ter; replaces glutamine 381 with a stop codon.
Molecular consequence: nonsense. On other transcripts: non-coding transcript variant (23).
Genome position (GRCh38, 1-based): chr6:87,519,679, G>A on the plus strand (C>T on the coding strand, the complement: RARS2 is on the minus strand). VCF-style: chr6-87519679-G-A. GRCh37 (hg19) VCF-style: chr6-88229397-G-A.
Other names: c.616C>T, p.Gln206Ter (NM_001318785.2, NM_001350506.2, NM_001350507.2 and 4 more transcripts); c.1141C>T, p.Gln381Ter (NM_001350505.2); c.1141C>T (NM_020320.4); short protein forms Q381*, Q206*.
Identifiers: ClinVar variation 2898964 (VCV002898964.4), dbSNP rs1773207732, ClinGen allele CA364924123.